The following is an entry in ClinVar:

ClinVar aggregate classification (germline): Uncertain significance (1 of 4 stars; one submission).

Conditions:
Fanconi anemia (FA). Also called: Fanconi's anemia. Identifiers: Orphanet 84, MedGen C0015625, MeSH D005199, MONDO:0019391.

Allele frequency attached by ClinVar (database versions not stated): TOPMed below 0.00001.
gnomAD v4.1: 1 of 1,613,750 alleles (0.000062%); highest among the groups gnomAD compares: Non-Finnish European, 0.000085%; no homozygotes.

Submission:

Labcorp Genetics (formerly Invitae), Labcorp
Classification: Uncertain significance for Fanconi anemia. Last evaluated: 2022-05-24. Review status: criteria provided, single submitter. Criteria: Invitae Variant Classification Sherloc (09022015). Collection method: clinical testing. Allele origin: germline.
Comment: This sequence change falls in intron 27 of the FANCA gene. It does not directly change the encoded amino acid sequence of the FANCA protein. This variant is not present in population databases (gnomAD no frequency). This variant has not been reported in the literature in individuals affected with FANCA-related conditions. Algorithms developed to predict the effect of sequence changes on RNA splicing suggest that this variant may disrupt the consensus splice site. In summary, the available evidence is currently insufficient to determine the role of this variant in disease. Therefore, it has been classified as a Variant of Uncertain Significance.

NM_000135.4(FANCA):c.2602-12T>A

Genes: FANCA (FA complementation group A; minus strand), LOC130059837 (ATAC-STARR-seq lymphoblastoid active region 11420; plus strand). Cytogenetic location: 16q24.3.
Variant type: single nucleotide variant.
Coding change: c.2602-12T>A on transcript NM_000135.4 (MANE Select); 12 bases into the intron before coding-DNA position 2602, T replaced by A.
Molecular consequence: intron variant.
Genome position (GRCh38, 1-based): chr16:89,765,078, A>T on the plus strand (T>A on the coding strand, the complement: FANCA is on the minus strand). VCF-style: chr16-89765078-A-T. GRCh37 (hg19) VCF-style: chr16-89831486-A-T.
Other names: c.2602-12T>A (NM_001286167.3).
Identifiers: ClinVar variation 2416738 (VCV002416738.4), dbSNP rs2039080846, ClinGen allele CA2241907058.